The following is an entry in ClinVar:

ClinVar aggregate classification (germline): Uncertain significance. Review status: criteria provided, multiple submitters, no conflicts (2 of 4 stars). 6 submissions from 5 submitters: Uncertain significance (6). Last evaluated 2024-03-11.

Conditions:
Ciliopathy. Also called: Ciliopathies. Identifiers: Orphanet 363250, MedGen C4277690, MONDO:0005308, MeSH D000072661.
Joubert syndrome. Also called: JOUBERT-BOLTSHAUSER SYNDROME; Familial aplasia of the vermis. Identifiers: Orphanet 475, MedGen C5979921, MONDO:0018772.
Meckel-Gruber syndrome. Also called: Dysencephalia splachnocystica; DYSENCEPHALIA SPLANCHNOCYSTICA; GRUBER SYNDROME. Identifiers: Orphanet 564, MedGen C0265215, MONDO:0018921.
Joubert syndrome 9 (JBTS9). Identifiers: Orphanet 2318, MedGen C2676788, MONDO:0012849, OMIM 612285.
Meckel syndrome, type 6. Identifiers: Orphanet 564, MedGen C2676790, MONDO:0012848, OMIM 612284.

Allele frequency attached by ClinVar (database versions not stated): TOPMed 0.00002; ExAC 0.00005; gnomAD 0.00001; ESP Exome Variant Server 0.00008; gnomAD exomes 0.00001 and 0.00003.
gnomAD v4.1: 22 of 1,607,076 alleles (0.0014%); highest among the groups gnomAD compares: Middle Eastern, 0.033%; no homozygotes.

Submissions (6):

Labcorp Genetics (formerly Invitae), Labcorp
Classification: Uncertain significance for Joubert syndrome; Meckel-Gruber syndrome. Last evaluated: 2024-03-11. Review status: criteria provided, single submitter. Criteria: Invitae Variant Classification Sherloc (09022015). Collection method: clinical testing. Allele origin: germline.
Comment: This sequence change replaces arginine, which is basic and polar, with cysteine, which is neutral and slightly polar, at codon 1177 of the CC2D2A protein (p.Arg1177Cys). This variant is present in population databases (rs371561652, gnomAD 0.01%). This variant has not been reported in the literature in individuals affected with CC2D2A-related conditions. ClinVar contains an entry for this variant (Variation ID: 166804). Advanced modeling of protein sequence and biophysical properties (such as structural, functional, and spatial information, amino acid conservation, physicochemical variation, residue mobility, and thermodynamic stability) has been performed at Invitae for this missense variant, however the output from this modeling did not meet the statistical confidence thresholds required to predict the impact of this variant on CC2D2A protein function. In summary, the available evidence is currently insufficient to determine the role of this variant in disease. Therefore, it has been classified as a Variant of Uncertain Significance.

Blueprint Genetics
Classification: Uncertain significance. Last evaluated: 2023-12-20. Review status: criteria provided, single submitter. Criteria: ACMG Guidelines, 2015. Collection method: clinical testing. Allele origin: germline.

Intergen Genetics and Rare Diseases Diagnosis Center
Classification: Uncertain significance for Ciliopathy. Last evaluated: 2023-09-05. Review status: criteria provided, single submitter. Criteria: ACMG Guidelines, 2015. Collection method: clinical testing. Allele origin: germline. Inheritance: Autosomal recessive inheritance. Affected: no. Observed: 1 heterozygote.

Illumina Laboratory Services, Illumina
Classification: Uncertain significance for Meckel syndrome, type 6. Last evaluated: 2017-04-27. Review status: criteria provided, single submitter. Criteria: ICSL Variant Classification Criteria 13 December 2019. Collection method: clinical testing. Allele origin: germline.

Illumina Laboratory Services, Illumina
Classification: Uncertain significance for Joubert syndrome 9. Last evaluated: 2017-04-27. Review status: criteria provided, single submitter. Criteria: ICSL Variant Classification Criteria 13 December 2019. Collection method: clinical testing. Allele origin: germline.

Eurofins Ntd Llc (ga)
Classification: Uncertain significance. Last evaluated: 2014-04-27. Review status: criteria provided, single submitter. Criteria: EGL Classification Definitions 2015. Collection method: clinical testing. Allele origin: germline. Observed: 1 variant allele, 1 heterozygote.

NM_001378615.1(CC2D2A):c.3529C>T (p.Arg1177Cys)

Genes: CC2D2A (coiled-coil and C2 domain containing 2A; plus strand), FBXL5 (F-box and leucine rich repeat protein 5; minus strand). Cytogenetic location: 4p15.32.
Variant type: single nucleotide variant.
Coding change: c.3529C>T on transcript NM_001378615.1 (MANE Select); coding-DNA position 3529, C replaced by T.
Protein change: p.Arg1177Cys; replaces arginine 1177 with cysteine.
Molecular consequence: missense variant.
Genome position (GRCh38, 1-based): chr4:15,570,431, C>T. VCF-style: chr4-15570431-C-T. GRCh37 (hg19) VCF-style: chr4-15572054-C-T.
Other names: c.3529C>T, p.Arg1177Cys (NM_001080522.2); c.3382C>T, p.Arg1128Cys (NM_001378617.1); short protein forms R1128C.
Identifiers: ClinVar variation 166804 (VCV000166804.15), dbSNP rs371561652, ClinGen allele CA233631.
Genomic context (GRCh38, chr4:15,570,431, plus strand): 5'-AATTATTACTTCCCACCCTTCCTTTAGGATGACCGTGAAAGAGGAAGTGGAATCCATACT[C>T]GTATTGAGAGACACTGGCTGGGATGTGTGAAAATGCCATTTAGCACAATATATTTCCAAG-3'
Protein context (NP_001365544.1, residues 1167-1187): DRERGSGIHT[Arg1177Cys]IERHWLGCVK